The following is an entry in ClinVar:

NM_006904.7(PRKDC):c.301G>T (p.Ala101Ser)

Gene: PRKDC (protein kinase, DNA-activated, catalytic subunit; minus strand). Cytogenetic location: 8q11.21.
Variant type: single nucleotide variant.
Coding change: c.301G>T on transcript NM_006904.7 (MANE Select); coding-DNA position 301, G replaced by T.
Protein change: p.Ala101Ser; replaces alanine 101 with serine.
Molecular consequence: missense variant.
Genome position (GRCh38, 1-based): chr8:47,957,194, C>A on the plus strand (G>T on the coding strand, the complement: PRKDC is on the minus strand). VCF-style: chr8-47957194-C-A. GRCh37 (hg19) VCF-style: chr8-48869754-C-A.
Other names: c.301G>T, p.Ala101Ser (NM_001081640.2); short protein forms A101S.
Identifiers: ClinVar variation 1798903 (VCV001798903.2), dbSNP rs769242222, ClinGen allele CA371140913.
Genomic context (GRCh38, chr8:47,957,194, plus strand): 5'-ATATATAATGTAATAAGGTATGTTTTTTAATTCTTACCTTAATTTCAACAGAGTAAGGTG[C>A]GATCTTCTGGCCCATTTTTTCTAAGAAAATACATAAAAACTTTAGGATTTCTTCTCTACA-3'
Protein context (NP_008835.5, residues 91-111): IFLEKMGQKI[Ala101Ser]PYSVEIKNTC

ClinVar aggregate classification (germline): Uncertain significance (1 of 4 stars; one submission).

Submission:

Ambry Genetics
Classification: Uncertain significance. Last evaluated: 2021-06-23. Review status: criteria provided, single submitter. Criteria: Ambry Variant Classification Scheme 2023. Collection method: clinical testing. Allele origin: germline.
Comment: The p.A101S variant (also known as c.301G>T), located in coding exon 3 of the PRKDC gene, results from a G to T substitution at nucleotide position 301. The alanine at codon 101 is replaced by serine, an amino acid with similar properties. This amino acid position is conserved. In addition, this alteration is predicted to be tolerated by in silico analysis. Since supporting evidence is limited at this time, the clinical significance of this alteration remains unclear.